The following is an entry in ClinVar:

ClinVar aggregate classification (germline): Uncertain significance (1 of 4 stars; one submission).

gnomAD v4.1: 54 of 1,613,448 alleles (0.0033%); highest among the groups gnomAD compares: South Asian, 0.023%; no homozygotes.

Submission:

GeneDx
Classification: Uncertain significance. Last evaluated: 2025-08-30. Review status: criteria provided, single submitter. Criteria: GeneDx Variant Classification Process June 2021. Collection method: clinical testing. Allele origin: germline.
Comment: In silico analysis supports that this missense variant has a deleterious effect on protein structure/function; Has not been previously published as pathogenic or benign to our knowledge

NM_006828.4(ASCC3):c.2024G>A (p.Arg675His)

Gene: ASCC3 (activating signal cointegrator 1 complex subunit 3; minus strand). Cytogenetic location: 6q16.3.
Variant type: single nucleotide variant.
Coding change: c.2024G>A on transcript NM_006828.4 (MANE Select); coding-DNA position 2024, G replaced by A.
Protein change: p.Arg675His; replaces arginine 675 with histidine.
Molecular consequence: missense variant.
Genome position (GRCh38, 1-based): chr6:100,718,130, C>T on the plus strand (G>A on the coding strand, the complement: ASCC3 is on the minus strand). VCF-style: chr6-100718130-C-T. GRCh37 (hg19) VCF-style: chr6-101166006-C-T.
Other names: c.2024G>A, p.Arg675His (NM_001284271.2); short protein forms R675H.
Identifiers: ClinVar variation 3376077 (VCV003376077.2).